The following is an entry in ClinVar:

NM_014168.4(METTL5):c.571_572del (p.Lys191fs)

Gene: METTL5 (methyltransferase 5, N6-adenosine; minus strand). Cytogenetic location: 2q31.1.
Variant type: Deletion.
Coding change: c.571_572del on transcript NM_014168.4 (MANE Select); coding-DNA positions 571 to 572, 2 bases deleted (AA; older notation c.571_572delAA).
Protein change: p.Lys191fs; shifts the reading frame from lysine 191.
Molecular consequence: frameshift variant.
Genome position (GRCh38, 1-based): chr2:169,812,476-169,812,477, TT deleted on the plus strand (AA on the coding strand, the reverse complement: METTL5 is on the minus strand). VCF-style (leftmost placement, unchanged base first): chr2-169812475-CTT-C. GRCh37 (hg19) VCF-style: chr2-170668985-CTT-C.
Other names: c.571_572del (NM_014168.2); c.571_572del, p.Lys191fs (NM_001293186.2, NM_001293187.2); short protein forms K191fs.
Identifiers: ClinVar variation 689363 (VCV000689363.6), dbSNP rs1573965358, ClinGen allele CA915942133.

ClinVar aggregate classification (germline): Pathogenic/Likely pathogenic. Review status: criteria provided, multiple submitters, no conflicts (2 of 4 stars). 4 submissions from 4 submitters: Pathogenic (2); Likely pathogenic (1). 1 of the submissions does not count toward it. Last evaluated 2020-11-16.

Conditions:
Intellectual developmental disorder, autosomal recessive 72. Also called: MENTAL RETARDATION, AUTOSOMAL RECESSIVE 72. Identifiers: MedGen C5231452, MONDO:0032860, OMIM 618665.
Severe intellectual disability. Identifiers: MedGen C0036857, HP:0010864.

Submissions (4):

Institute of Human Genetics, University of Leipzig Medical Center
Classification: Likely pathogenic. Last evaluated: 2020-11-16. Review status: criteria provided, single submitter. Criteria: ACMG Guidelines, 2015. Collection method: clinical testing. Allele origin: biparental. Inheritance: Autosomal recessive inheritance. Affected: yes.
Comment: Review of the variants reported in Reuter et al., 2017, PMID: 28097321 PVS1_Strong, PM2, PM3_Supporting

Institute of Medical Genetics and Applied Genomics, University Hospital Tübingen
Classification: Pathogenic. Last evaluated: 2020-10-23. Review status: criteria provided, single submitter. Criteria: ACMG Guidelines, 2015. Collection method: clinical testing. Allele origin: germline. Inheritance: Unknown mechanism. Affected: yes.

Laboratory of NeuroGenetics and Regenerative Medicine, University of Maryland School of Medicine
Classification: Pathogenic for Severe intellectual disability. Review status: criteria provided, single submitter. Criteria: ACMG Guidelines, 2015. Collection method: research. Allele origin: inherited. Inheritance: Autosomal recessive inheritance. Affected: yes. Observed: 2 variant alleles, 2 homozygotes. Clinical features observed: Severe intellectual disability (HP:0010864).

OMIM
Classification: Pathogenic for INTELLECTUAL DEVELOPMENTAL DISORDER, AUTOSOMAL RECESSIVE 72. Last evaluated: 2019-11-22. Review status: no assertion criteria provided. Collection method: literature only. Allele origin: germline. Not counted in ClinVar's aggregate classification.

Literature cited by the submitters: PubMed 31564433 (cited by OMIM).